The following is an entry in ClinVar:

NM_005751.5(AKAP9):c.8485G>A (p.Glu2829Lys)

Gene: AKAP9 (A-kinase anchoring protein 9; plus strand). Cytogenetic location: 7q21.2.
Variant type: single nucleotide variant.
Coding change: c.8485G>A on transcript NM_005751.5 (MANE Select); coding-DNA position 8485, G replaced by A.
Protein change: p.Glu2829Lys; replaces glutamic acid 2829 with lysine.
Molecular consequence: missense variant.
Genome position (GRCh38, 1-based): chr7:92,083,494, G>A. VCF-style: chr7-92083494-G-A. GRCh37 (hg19) VCF-style: chr7-91712808-G-A.
Other names: c.3130G>A, p.Glu1044Lys (NM_001379277.1); c.8461G>A, p.Glu2821Lys (NM_147185.3); short protein forms E2829K, E2821K, E1044K.
Identifiers: ClinVar variation 263541 (VCV000263541.26), dbSNP rs149946443, ClinGen allele CA4337487.

ClinVar aggregate classification (germline): Benign/Likely benign. Review status: criteria provided, multiple submitters, no conflicts (2 of 4 stars). 10 submissions from 10 submitters: Benign (6); Likely benign (3). 1 of the submissions does not count toward it. Last evaluated 2026-01-27.

Conditions:
Cardiovascular phenotype. Identifiers: MedGen CN230736.
Long QT syndrome (LQTS). Identifiers: MedGen C0023976, MeSH D008133, MONDO:0002442. Disease mechanism: loss of function. Inheritance: Various modes of inheritance.
Long QT syndrome 11 (LQT11). Identifiers: Orphanet 101016, Orphanet 768, MedGen C2678483, MONDO:0012738, OMIM 611820.
Restrictive cardiomyopathy. Identifiers: Orphanet 217632, MedGen C0007196, MeSH D002313, MONDO:0005201, HP:0001723.

Allele frequency attached by ClinVar (database versions not stated): gnomAD exomes 0.00024 and 0.00064; ExAC 0.00094; gnomAD 0.00275 and 0.00303; 1000 Genomes Project 0.00300; TOPMed 0.00305; ESP Exome Variant Server 0.00323; 1000 Genomes Project 30x 0.00344.
gnomAD v4.1: 784 of 1,612,100 alleles (0.049%); highest among the groups gnomAD compares: African/African-American, 0.98%; 2 homozygotes.

Submissions (10):

Labcorp Genetics (formerly Invitae), Labcorp
Classification: Benign for Long QT syndrome. Last evaluated: 2026-01-27. Review status: criteria provided, single submitter. Criteria: Invitae Variant Classification Sherloc (09022015). Collection method: clinical testing. Allele origin: germline.

Blueprint Genetics
Classification: Likely benign. Last evaluated: 2024-08-06. Review status: criteria provided, single submitter. Criteria: ACMG Guidelines, 2015. Collection method: clinical testing. Allele origin: germline.

Genome-Nilou Lab
Classification: Benign for Long QT syndrome 11. Last evaluated: 2021-12-05. Review status: criteria provided, single submitter. Criteria: ACMG Guidelines, 2015. Collection method: clinical testing. Allele origin: germline. Affected: no.

Women's Health and Genetics/Laboratory Corporation of America, LabCorp
Classification: Benign. Last evaluated: 2019-09-25. Review status: criteria provided, single submitter. Criteria: LabCorp Variant Classification Summary - May 2015. Collection method: clinical testing. Allele origin: germline.
Comment: Variant summary: AKAP9 c.8485G>A (p.Glu2829Lys) results in a conservative amino acid change in the encoded protein sequence. Three of five in-silico tools predict a benign effect of the variant on protein function. The variant allele was found at a frequency of 0.00064 in 249136 control chromosomes (gnomAD). The observed variant frequency is approximately 64 fold of the estimated maximal expected allele frequency for a pathogenic variant in AKAP9 causing Arrhythmia phenotype (1e-05), strongly suggesting that the variant is benign. Four clinical diagnostic laboratories have submitted clinical-significance assessments for this variant to ClinVar after 2014 without evidence for independent evaluation. All laboratories classified the variant as benign/likely benign. Based on the evidence outlined above, the variant was classified as benign.

Center for Advanced Laboratory Medicine, UC San Diego Health, University of California San Diego
Classification: Benign for Restrictive cardiomyopathy. Last evaluated: 2018-08-13. Review status: criteria provided, single submitter. Criteria: ACMG Guidelines, 2015. Collection method: clinical testing. Allele origin: germline. Affected: yes. Observed: 1 variant allele.

Clinical Genetics DNA and cytogenetics Diagnostics Lab, Erasmus MC, Erasmus Medical Center
Classification: Benign for Long QT syndrome 11. Last evaluated: 2017-07-13. Review status: criteria provided, single submitter. Criteria: ACGS Guidelines, 2013. Collection method: clinical testing. Allele origin: germline. Affected: yes. Study: VKGL Data-share Consensus.

Center for Pediatric Genomic Medicine, Children's Mercy Hospital and Clinics
Classification: Likely benign. Last evaluated: 2016-07-22. Review status: criteria provided, single submitter. Criteria: ACMG Guidelines, 2015. Collection method: clinical testing. Allele origin: germline.
ClinVar note: Converted during submission from Likely Benign to Likely benign.

Ambry Genetics
Classification: Benign for Cardiovascular phenotype. Last evaluated: 2015-07-15. Review status: criteria provided, single submitter. Criteria: Ambry Variant Classification Scheme 2023. Collection method: clinical testing. Allele origin: germline.

GeneDx
Classification: Likely benign. Last evaluated: 2015-03-03. Review status: criteria provided, single submitter. Criteria: GeneDx Variant Classification Process June 2021. Collection method: clinical testing. Allele origin: germline. Affected: yes.

Clinical Genetics, Academic Medical Center
Classification: Likely benign. Review status: no assertion criteria provided. Collection method: clinical testing. Allele origin: germline. Affected: yes. Study: VKGL Data-share Consensus. Not counted in ClinVar's aggregate classification.